The following is an entry in ClinVar:

ClinVar aggregate classification (germline): Likely pathogenic. Review status: criteria provided, multiple submitters, no conflicts (2 of 4 stars). 3 submissions from 3 submitters: Likely pathogenic (2). 1 of the submissions does not count toward it. Last evaluated 2026-01-13.

Conditions:
Usher syndrome type 1 (USH1). Also called: RETINITIS PIGMENTOSA AND CONGENITAL DEAFNESS. Identifiers: Orphanet 231169, Orphanet 886, MedGen C1568247, MONDO:0010168, OMIM 276900.
Pituitary adenoma 5, multiple types. Identifiers: MedGen C4539685, MONDO:0054601, OMIM 617540.

Allele frequency attached by ClinVar (database versions not stated): gnomAD 0.00001; gnomAD exomes below 0.00001; TOPMed 0.00002.
gnomAD v4.1: 7 of 1,605,172 alleles (0.00044%); highest among the groups gnomAD compares: Non-Finnish European, 0.0006%; no homozygotes.

Submissions (3):

Labcorp Genetics (formerly Invitae), Labcorp
Classification: Likely pathogenic. Last evaluated: 2026-01-13. Review status: criteria provided, single submitter. Criteria: Invitae Variant Classification Sherloc (09022015). Collection method: clinical testing. Allele origin: germline.
Comment: This sequence change affects a donor splice site in intron 33 of the CDH23 gene. It is expected to disrupt RNA splicing. Variants that disrupt the donor or acceptor splice site typically lead to a loss of protein function (PMID: 16199547), and loss-of-function variants in CDH23 are known to be pathogenic (PMID: 11138009, 21940737). The frequency data for this variant in the population databases is considered unreliable, as metrics indicate poor data quality at this position in the gnomAD database. This variant has not been reported in the literature in individuals affected with CDH23-related conditions. ClinVar contains an entry for this variant (Variation ID: 1067735). Algorithms developed to predict the effect of sequence changes on RNA splicing suggest that this variant may disrupt the consensus splice site. In summary, the currently available evidence indicates that the variant is pathogenic, but additional data are needed to prove that conclusively. Therefore, this variant has been classified as Likely Pathogenic.

Baylor Genetics
Classification: Likely pathogenic for Pituitary adenoma 5, multiple types. Last evaluated: 2023-07-28. Review status: criteria provided, single submitter. Criteria: ACMG Guidelines, 2015. Collection method: clinical testing. Allele origin: unknown.

Natera, Inc.
Classification: Likely pathogenic for Usher syndrome type 1. Last evaluated: 2021-04-07. Review status: no assertion criteria provided. Collection method: clinical testing. Allele origin: germline. Not counted in ClinVar's aggregate classification.

Literature cited by the submitters: PubMed 16199547 (cited by Labcorp Genetics (formerly Invitae), Labcorp); PubMed 11138009 (cited by Labcorp Genetics (formerly Invitae), Labcorp); PubMed 21940737 (cited by Labcorp Genetics (formerly Invitae), Labcorp).

NM_022124.6(CDH23):c.4206+1G>A

Genes: C10orf105 (chromosome 10 open reading frame 105; minus strand), CDH23 (cadherin related 23; plus strand). Cytogenetic location: 10q22.1.
Variant type: single nucleotide variant.
Coding change: c.4206+1G>A on transcript NM_022124.6 (MANE Select); the canonical splice donor site of the intron after coding-DNA position 4206, G replaced by A.
Molecular consequence: splice donor variant. On other transcripts: intron variant (1).
Genome position (GRCh38, 1-based): chr10:71,734,342, G>A. VCF-style: chr10-71734342-G-A. GRCh37 (hg19) VCF-style: chr10-73494099-G-A.
Other names: c.-6+3386C>T (NM_001168390.2).
Identifiers: ClinVar variation 1067735 (VCV001067735.9), dbSNP rs1204500829, ClinGen allele CA377158594.